The following is an entry in ClinVar:

NM_024408.4(NOTCH2):c.6554C>T (p.Ala2185Val)

Gene: NOTCH2 (notch receptor 2; minus strand). Cytogenetic location: 1p12.
Variant type: single nucleotide variant.
Coding change: c.6554C>T on transcript NM_024408.4 (MANE Select); coding-DNA position 6554, C replaced by T.
Protein change: p.Ala2185Val; replaces alanine 2185 with valine.
Molecular consequence: missense variant.
Genome position (GRCh38, 1-based): chr1:119,916,168, G>A on the plus strand (C>T on the coding strand, the complement: NOTCH2 is on the minus strand). VCF-style: chr1-119916168-G-A. GRCh37 (hg19) VCF-style: chr1-120458791-G-A.
Other names: short protein forms A2185V.
Identifiers: ClinVar variation 2009706 (VCV002009706.4), dbSNP rs369014328, ClinGen allele CA341877569.

ClinVar aggregate classification (germline): Uncertain significance (1 of 4 stars; one submission).

Conditions:
Hajdu-Cheney syndrome (HJCYS). Also called: Acroosteolysis dominant type; ACROOSTEOLYSIS WITH OSTEOPOROSIS AND CHANGES IN SKULL AND MANDIBLE; SERPENTINE FIBULA-POLYCYSTIC KIDNEY SYNDROME. Identifiers: Orphanet 955, MedGen C0917715, MONDO:0007057, OMIM 102500.

Allele frequency attached by ClinVar (database versions not stated): gnomAD exomes 0.00001.
gnomAD v4.1: 3 of 1,614,220 alleles (0.00019%); highest among the groups gnomAD compares: Non-Finnish European, 0.00025%; no homozygotes.

Submission:

Labcorp Genetics (formerly Invitae), Labcorp
Classification: Uncertain significance for Hajdu-Cheney syndrome. Last evaluated: 2024-02-17. Review status: criteria provided, single submitter. Criteria: Invitae Variant Classification Sherloc (09022015). Collection method: clinical testing. Allele origin: germline.
Comment: This sequence change replaces alanine, which is neutral and non-polar, with valine, which is neutral and non-polar, at codon 2185 of the NOTCH2 protein (p.Ala2185Val). This variant is present in population databases (no rsID available, gnomAD 0.0009%). This variant has not been reported in the literature in individuals affected with NOTCH2-related conditions. ClinVar contains an entry for this variant (Variation ID: 2009706). Advanced modeling of protein sequence and biophysical properties (such as structural, functional, and spatial information, amino acid conservation, physicochemical variation, residue mobility, and thermodynamic stability) performed at Invitae indicates that this missense variant is not expected to disrupt NOTCH2 protein function with a negative predictive value of 80%. In summary, the available evidence is currently insufficient to determine the role of this variant in disease. Therefore, it has been classified as a Variant of Uncertain Significance.